The following is an entry in ClinVar:

NM_016343.4(CENPF):c.1447-4T>C

Gene: CENPF (centromere protein F; plus strand). Cytogenetic location: 1q41.
Variant type: single nucleotide variant.
Coding change: c.1447-4T>C on transcript NM_016343.4 (MANE Select); 4 bases into the intron before coding-DNA position 1447, T replaced by C.
Molecular consequence: intron variant.
Genome position (GRCh38, 1-based): chr1:214,637,862, T>C. VCF-style: chr1-214637862-T-C. GRCh37 (hg19) VCF-style: chr1-214811205-T-C.
Identifiers: ClinVar variation 434703 (VCV000434703.19), dbSNP rs151249612, ClinGen allele CA1390071.
Genomic context (GRCh38, chr1:214,637,862, plus strand): 5'-GGCAGAAGTCATAACTTACTTGAGCATTCGTTTTGGCTATAACCAATTAAAATGTGTGTT[T>C]TAGGAAATGAAGAAGGAAAACAACCTCCTTAAGAGTCACTCTGAGCAAAAGGCCAGAGAA-3'

ClinVar aggregate classification (germline): Benign/Likely benign. Review status: criteria provided, multiple submitters, no conflicts (2 of 4 stars). 5 submissions from 5 submitters: Benign (1); Likely benign (3). 1 of the submissions does not count toward it. Last evaluated 2025-08-04.

Conditions:
CENPF-related disorder. Also called: CENPF-related condition.

Allele frequency attached by ClinVar (database versions not stated): gnomAD exomes 0.00012 and 0.00038; ExAC 0.00041; 1000 Genomes Project 30x 0.00141; gnomAD 0.00155 and 0.00165; 1000 Genomes Project 0.00160; TOPMed 0.00178; ESP Exome Variant Server 0.00200.

Submissions (5):

Labcorp Genetics (formerly Invitae), Labcorp
Classification: Benign. Last evaluated: 2025-08-04. Review status: criteria provided, single submitter. Criteria: Invitae Variant Classification Sherloc (09022015). Collection method: clinical testing. Allele origin: germline.

Blueprint Genetics
Classification: Likely benign. Last evaluated: 2023-11-20. Review status: criteria provided, single submitter. Criteria: ACMG Guidelines, 2015. Collection method: clinical testing. Allele origin: germline.

Genetic Services Laboratory, University of Chicago
Classification: Likely benign. Last evaluated: 2017-05-17. Review status: criteria provided, single submitter. Criteria: ACMG Guidelines, 2015. Collection method: clinical testing. Allele origin: germline. Affected: no.

Breakthrough Genomics
Classification: Likely benign. Review status: criteria provided, single submitter. Criteria: ACMG Guidelines, 2015. Collection method: not provided. Allele origin: germline. Inheritance: Autosomal recessive inheritance. Affected: yes.

PreventionGenetics, part of Exact Sciences
Classification: Likely benign for CENPF-related condition. Last evaluated: 2019-08-13. Review status: no assertion criteria provided. Collection method: clinical testing. Allele origin: germline. Not counted in ClinVar's aggregate classification.
Comment: This variant is classified as likely benign based on ACMG/AMP sequence variant interpretation guidelines (Richards et al. 2015 PMID: 25741868, with internal and published modifications).